The following is an entry in ClinVar:

NM_138295.5(PKD1L1):c.5896G>A (p.Val1966Ile)

Gene: PKD1L1 (polycystin 1 like 1, transient receptor potential channel interacting; minus strand). Cytogenetic location: 7p12.3.
Variant type: single nucleotide variant.
Coding change: c.5896G>A on transcript NM_138295.5 (MANE Select); coding-DNA position 5896, G replaced by A.
Protein change: p.Val1966Ile; replaces valine 1966 with isoleucine.
Molecular consequence: missense variant.
Genome position (GRCh38, 1-based): chr7:47,836,968, C>T on the plus strand (G>A on the coding strand, the complement: PKD1L1 is on the minus strand). VCF-style: chr7-47836968-C-T. GRCh37 (hg19) VCF-style: chr7-47876566-C-T.
Other names: short protein forms V1966I.
Identifiers: ClinVar variation 4987228 (VCV004987228.1).

ClinVar aggregate classification (germline): Uncertain significance (1 of 4 stars; one submission).

Conditions:
PKD1L1-related disorder. Also called: PKD1L1-related condition.

gnomAD v4.1: 28 of 1,614,194 alleles (0.0017%); highest among the groups gnomAD compares: South Asian, 0.016%; 1 homozygote.

Submission:

PreventionGenetics, part of Exact Sciences
Classification: Uncertain significance for PKD1L1-related condition. Last evaluated: 2024-12-06. Review status: criteria provided, single submitter. Criteria: ACMG Guidelines, 2015. Collection method: clinical testing. Allele origin: germline.
Comment: The PKD1L1 c.5896G>A variant is predicted to result in the amino acid substitution p.Val1966Ile. To our knowledge, this variant has not been reported in the literature. This variant is reported in 0.020% of alleles in individuals of South Asian descent in gnomAD. At this time, the clinical significance of this variant is uncertain due to the absence of conclusive functional and genetic evidence.